The following is an entry in ClinVar:

ClinVar aggregate classification (germline): Uncertain significance. Review status: criteria provided, multiple submitters, no conflicts (2 of 4 stars). 2 submissions from 2 submitters: Uncertain significance (2). Last evaluated 2025-05-16.

Conditions:
Inborn genetic diseases. Identifiers: MedGen C0950123, MeSH D030342.

Allele frequency attached by ClinVar (database versions not stated): gnomAD exomes below 0.00001; TOPMed below 0.00001; gnomAD 0.00001.

Submissions (2):

Ambry Genetics
Classification: Uncertain significance for Inborn genetic diseases. Last evaluated: 2025-05-16. Review status: criteria provided, single submitter. Criteria: Ambry Variant Classification Scheme 2023. Collection method: clinical testing. Allele origin: germline.

Labcorp Genetics (formerly Invitae), Labcorp
Classification: Uncertain significance. Last evaluated: 2021-05-17. Review status: criteria provided, single submitter. Criteria: Invitae Variant Classification Sherloc (09022015). Collection method: clinical testing. Allele origin: germline.
Comment: This sequence change replaces isoleucine with valine at codon 750 of the COL4A1 protein (p.Ile750Val). The isoleucine residue is moderately conserved and there is a small physicochemical difference between isoleucine and valine. This variant is not present in population databases (ExAC no frequency). This variant has not been reported in the literature in individuals with COL4A1-related conditions. Advanced modeling of protein sequence and biophysical properties (such as structural, functional, and spatial information, amino acid conservation, physicochemical variation, residue mobility, and thermodynamic stability) performed at Invitae indicates that this missense variant is not expected to disrupt COL4A1 protein function. In summary, the available evidence is currently insufficient to determine the role of this variant in disease. Therefore, it has been classified as a Variant of Uncertain Significance.

NM_001845.6(COL4A1):c.2248A>G (p.Ile750Val)

Gene: COL4A1 (collagen type IV alpha 1 chain; minus strand). Cytogenetic location: 13q34.
Variant type: single nucleotide variant.
Coding change: c.2248A>G on transcript NM_001845.6 (MANE Select); coding-DNA position 2248, A replaced by G.
Protein change: p.Ile750Val; replaces isoleucine 750 with valine.
Molecular consequence: missense variant.
Genome position (GRCh38, 1-based): chr13:110,179,367, T>C on the plus strand (A>G on the coding strand, the complement: COL4A1 is on the minus strand). VCF-style: chr13-110179367-T-C. GRCh37 (hg19) VCF-style: chr13-110831714-T-C.
Other names: c.2248A>G (NM_001845.4); short protein forms I750V.
Identifiers: ClinVar variation 1420468 (VCV001420468.9), dbSNP rs1199996506, ClinGen allele CA388668715.